The following is an entry in ClinVar:

NM_005585.5(SMAD6):c.615C>A (p.Cys205Ter)

Gene: SMAD6 (SMAD family member 6; plus strand). Cytogenetic location: 15q22.31.
Variant type: single nucleotide variant.
Coding change: c.615C>A on transcript NM_005585.5 (MANE Select); coding-DNA position 615, C replaced by A.
Protein change: p.Cys205Ter; replaces cysteine 205 with a stop codon.
Molecular consequence: nonsense. On other transcripts: non-coding transcript variant (1).
Genome position (GRCh38, 1-based): chr15:66,703,873, C>A. VCF-style: chr15-66703873-C-A. GRCh37 (hg19) VCF-style: chr15-66996211-C-A.
Other names: short protein forms C205*.
Identifiers: ClinVar variation 2630867 (VCV002630867.2), dbSNP rs1020630871, ClinGen allele CA392949900.

ClinVar aggregate classification (germline): Uncertain significance. Review status: criteria provided, multiple submitters, no conflicts (2 of 4 stars). 2 submissions from 2 submitters: Uncertain significance (2). Last evaluated 2025-05-06.

Conditions:
SMAD6-related disease. Also called: SMAD6-related condition; SMAD6-related disorder. Identifiers: MedGen CN381596, MONDO:0700324.
Aortic valve disease 2 (AOVD2). Identifiers: MedGen C3542024, MONDO:0013902, OMIM 614823.

gnomAD v4.1: 5 of 1,319,456 alleles (0.00038%); highest among the groups gnomAD compares: Non-Finnish European, 0.00049%; no homozygotes.

Submissions (2):

Labcorp Genetics (formerly Invitae), Labcorp
Classification: Uncertain significance for Aortic valve disease 2. Last evaluated: 2025-05-06. Review status: criteria provided, single submitter. Criteria: Invitae Variant Classification Sherloc (09022015). Collection method: clinical testing. Allele origin: germline.
Comment: This sequence change creates a premature translational stop signal (p.Cys205*) in the SMAD6 gene. It is expected to result in an absent or disrupted protein product. However, the current clinical and genetic evidence is not sufficient to establish whether loss-of-function variants in SMAD6 cause disease. This variant is not present in population databases (gnomAD no frequency). This variant has not been reported in the literature in individuals affected with SMAD6-related conditions. ClinVar contains an entry for this variant (Variation ID: 2630867). In summary, the available evidence is currently insufficient to determine the role of this variant in disease. Therefore, it has been classified as a Variant of Uncertain Significance.

PreventionGenetics, part of Exact Sciences
Classification: Uncertain significance for SMAD6-related condition. Last evaluated: 2023-09-14. Review status: criteria provided, single submitter. Criteria: ACMG Guidelines, 2015. Collection method: clinical testing. Allele origin: germline.
Comment: The SMAD6 c.615C>A variant is predicted to result in premature protein termination (p.Cys205*). To our knowledge, this variant has not been reported in the literature or in a large population database, indicating this variant is rare. A cohort of 2,871 congenital heart disease (CHD) patients found eight inherited and one de novo loss-of-function (LOF) SMAD6 variants in patients with variable CHDs; however, only one of eight of the parents transmitting a LOF variant had a CHD (bicuspid aortic valve). Importantly, no LOF variants were found among the 7,156 parental control alleles (Jin et al. 2017. PubMed ID: 28991257). However, the SMAD6 gene is predicted to largely be tolerant of LOF variants as more LOF variants are observed than expected in the gnomAD database (Lek et al. 2016. PubMed ID: 27535533). Although we suspect that this variant may be pathogenic, at this time, the clinical significance of this variant is uncertain due to the absence of conclusive functional and genetic evidence.